The following is an entry in ClinVar:

ClinVar aggregate classification (germline): Benign/Likely benign. Review status: criteria provided, multiple submitters, no conflicts (2 of 4 stars). 2 submissions from 2 submitters: Benign (1); Likely benign (1). Last evaluated 2024-12-26.

Conditions:
Lynch syndrome 5 (LYNCH5). Also called: Hereditary non-polyposis colorectal cancer, type 5; Colorectal cancer, hereditary nonpolyposis, type 5. Identifiers: Orphanet 144, MedGen C1833477, MONDO:0013710, OMIM 614350. Disease mechanism: loss of function.
Hereditary cancer-predisposing syndrome. Also called: Tumor predisposition; Hereditary neoplastic syndrome; Neoplastic Syndromes, Hereditary; Hereditary Cancer Syndrome. Identifiers: Orphanet 140162, MedGen C0027672, MeSH D009386, MONDO:0015356.

gnomAD v4.1: 1 of 1,614,096 alleles (0.000062%); highest among the groups gnomAD compares: South Asian, 0.0011%; no homozygotes.

Submissions (2):

Myriad Genetics, Inc.
Classification: Benign for Lynch syndrome 5. Last evaluated: 2024-12-26. Review status: criteria provided, single submitter. Criteria: Myriad Autosomal Dominant, Autosomal Recessive and X-Linked Classification Criteria (2023). Collection method: clinical testing. Allele origin: unknown.
Comment: This variant is considered benign. This variant is a silent/synonymous amino acid change and it is not expected to impact splicing.

Ambry Genetics
Classification: Likely benign for Hereditary cancer-predisposing syndrome. Last evaluated: 2019-12-05. Review status: criteria provided, single submitter. Criteria: Ambry Variant Classification Scheme 2023. Collection method: clinical testing. Allele origin: germline.

NM_000179.3(MSH6):c.1380C>G (p.Gly460=)

Gene: MSH6 (mutS homolog 6; plus strand). Cytogenetic location: 2p16.3.
Variant type: single nucleotide variant.
Coding change: c.1380C>G on transcript NM_000179.3 (MANE Select); coding-DNA position 1380, C replaced by G.
Protein change: p.Gly460=; no amino-acid change (glycine 460 retained).
Molecular consequence: synonymous variant.
Genome position (GRCh38, 1-based): chr2:47,799,363, C>G. VCF-style: chr2-47799363-C-G. GRCh37 (hg19) VCF-style: chr2-48026502-C-G.
Other names: c.990C>G, p.Gly330= (NM_001281492.2); c.474C>G, p.Gly158= (NM_001281493.2, NM_001281494.2).
Identifiers: ClinVar variation 819048 (VCV000819048.5), dbSNP rs1572722769, ClinGen allele CA426121123.
Genomic context (GRCh38, chr2:47,799,363, plus strand): 5'-TCTTATTGGAGTCAGTGAACTGGGGCTGGTATTCATGAAAGGCAACTGGGCCCATTCTGG[C>G]TTTCCTGAAATTGCATTTGGCCGTTATTCAGATTCCCTGGTGCAGAAGGGCTATAAAGTA-3'
Protein context (NP_000170.1, residues 450-470): VFMKGNWAHS[Gly460=]FPEIAFGRYS